The following is an entry in ClinVar:

NM_000215.4(JAK3):c.2372C>A (p.Pro791His)

Gene: JAK3 (Janus kinase 3; minus strand). Cytogenetic location: 19p13.11.
Variant type: single nucleotide variant.
Coding change: c.2372C>A on transcript NM_000215.4 (MANE Select); coding-DNA position 2372, C replaced by A.
Protein change: p.Pro791His; replaces proline 791 with histidine.
Molecular consequence: missense variant.
Genome position (GRCh38, 1-based): chr19:17,832,908, G>T on the plus strand (C>A on the coding strand, the complement: JAK3 is on the minus strand). VCF-style: chr19-17832908-G-T. GRCh37 (hg19) VCF-style: chr19-17943717-G-T.
Other names: NM_000215.4(JAK3):c.2372C>A; p.Pro791His; short protein forms P791H.
Identifiers: ClinVar variation 1609051 (VCV001609051.9), dbSNP rs1413703588, ClinGen allele CA404767034.

ClinVar aggregate classification (germline): Uncertain significance. Review status: reviewed by expert panel (3 of 4 stars). 2 submissions from 2 submitters: Uncertain significance (1). 1 of the submissions does not count toward it. Last evaluated 2026-10-08.

Conditions:
T-B+ severe combined immunodeficiency due to JAK3 deficiency. Also called: SCID, T CELL-NEGATIVE, B CELL-POSITIVE, NK CELL-NEGATIVE; SCID, autosomal recessive, T-negative/B-positive type. Identifiers: Orphanet 35078, MedGen C1833275, MONDO:0010938, OMIM 600802.

Allele frequency attached by ClinVar (database versions not stated): TOPMed 0.00018; gnomAD exomes 0.00010; gnomAD 0.00026 and 0.00027.

Submissions (2):

ClinGen Severe Combined Immunodeficiency Variant Curation Expert Panel, ClinGen
Classification: Uncertain significance for T-B+ severe combined immunodeficiency due to JAK3 deficiency. Last evaluated: 2026-10-08. Review status: reviewed by expert panel. Criteria: ClinGen SCID ACMG Specifications JAK3 V2.3. Collection method: curation. Allele origin: germline. Inheritance: Autosomal recessive inheritance.
Comment: NM_000215.4(JAK3):c.2372C>A is a missense variant predicted to result in the substitution of proline with histidine at amino acid 791 (p.Pro791His). This variant is present in gnomAD v4.1.1 with a grpmax filtering allele frequency of 0.00085686 (Admixed American), which does not meet the ClinGen SCID VCEP threshold for PM2_Supporting (<0.000115), nor does it reach the threshold for BS1_Strong (>0.001001); no homozygotes have been observed. This variant has not been reported in the literature in individual(s) affected with JAK3-related condition or in a functional study. In summary, this variant meets the criteria to be classified as a variant of uncertain significance for autosomal recessive severe combined immunodeficiency due to JAK3 deficiency with no ACMG/AMP criteria applied (VCEP specifications version 2.3.0).

Labcorp Genetics (formerly Invitae), Labcorp
Classification: Likely benign for T-B+ severe combined immunodeficiency due to JAK3 deficiency. Last evaluated: 2025-12-23. Review status: criteria provided, single submitter. Criteria: Invitae Variant Classification Sherloc (09022015). Collection method: clinical testing. Allele origin: germline. Not counted in ClinVar's aggregate classification.